The following is an entry in ClinVar:

ClinVar aggregate classification (germline): Conflicting classifications of pathogenicity. Review status: criteria provided, conflicting classifications (1 of 4 stars). 3 submissions from 3 submitters: Uncertain significance (1); Likely benign (1). 1 of the submissions does not count toward it. Last evaluated 2025-05-13.

Conditions:
TENM4-related disorder. Also called: TENM4-related condition.

Allele frequency attached by ClinVar (database versions not stated): gnomAD exomes 0.00010; ExAC 0.00022; gnomAD 0.00054; TOPMed 0.00062; ESP Exome Variant Server 0.00063.
gnomAD v4.1: 226 of 1,586,430 alleles (0.014%); highest among the groups gnomAD compares: African/African-American, 0.16%; 1 homozygote.

Submissions (3):

Ambry Genetics
Classification: Uncertain significance. Last evaluated: 2025-05-13. Review status: criteria provided, single submitter. Criteria: Ambry Variant Classification Scheme 2023. Collection method: clinical testing. Allele origin: germline.

CeGaT Center for Human Genetics Tuebingen
Classification: Likely benign. Last evaluated: 2022-12-01. Review status: criteria provided, single submitter. Criteria: CeGaT Center For Human Genetics Tuebingen Variant Classification Criteria Version 2. Collection method: clinical testing. Allele origin: germline. Affected: yes. Observed: 1 variant allele.
Comment: TENM4: BS1

PreventionGenetics, part of Exact Sciences
Classification: Likely benign for TENM4-related condition. Last evaluated: 2024-01-05. Review status: no assertion criteria provided. Collection method: clinical testing. Allele origin: germline. Not counted in ClinVar's aggregate classification.
Comment: This variant is classified as likely benign based on ACMG/AMP sequence variant interpretation guidelines (Richards et al. 2015 PMID: 25741868, with internal and published modifications).

NM_001098816.3(TENM4):c.2003C>T (p.Ser668Leu)

Gene: TENM4 (teneurin transmembrane protein 4; minus strand). Cytogenetic location: 11q14.1.
Variant type: single nucleotide variant.
Coding change: c.2003C>T on transcript NM_001098816.3 (MANE Select); coding-DNA position 2003, C replaced by T.
Protein change: p.Ser668Leu; replaces serine 668 with leucine.
Molecular consequence: missense variant.
Genome position (GRCh38, 1-based): chr11:78,805,468, G>A on the plus strand (C>T on the coding strand, the complement: TENM4 is on the minus strand). VCF-style: chr11-78805468-G-A. GRCh37 (hg19) VCF-style: chr11-78516513-G-A.
Other names: short protein forms S668L.
Identifiers: ClinVar variation 2373010 (VCV002373010.27), dbSNP rs200271895, ClinGen allele CA6207467.
Genomic context (GRCh38, chr11:78,805,468, plus strand): 5'-TTGGTGCCTCCCCATCCCACAGAGCAGTGGCATTCGCCTCTCACGCAGACACCCCGGCCT[G>A]AACATGTGGGGTCCATGCAGTCCACTGTGAGATGGAGGAAGGAGAACATAGGTAAGCATC-3'
Protein context (NP_001092286.2, residues 658-678): EEVDCMDPTC[Ser668Leu]GRGVCVRGEC